The following is an entry in ClinVar:

ClinVar aggregate classification (germline): Uncertain significance (1 of 4 stars; one submission).

Submission:

Labcorp Genetics (formerly Invitae), Labcorp
Classification: Uncertain significance. Last evaluated: 2025-09-08. Review status: criteria provided, single submitter. Criteria: Invitae Variant Classification Sherloc (09022015). Collection method: clinical testing. Allele origin: germline.
Comment: This sequence change replaces cysteine, which is neutral and slightly polar, with tryptophan, which is neutral and slightly polar, at codon 40 of the RS1 protein (p.Cys40Trp). This variant is not present in population databases (gnomAD no frequency). This variant has not been reported in the literature in individuals affected with RS1-related conditions. ClinVar contains an entry for this variant (Variation ID: 1518069). Invitae Evidence Modeling of protein sequence and biophysical properties (such as structural, functional, and spatial information, amino acid conservation, physicochemical variation, residue mobility, and thermodynamic stability) has been performed for this missense variant. However, the output from this modeling did not meet the statistical confidence thresholds required to predict the impact of this variant on RS1 protein function. In summary, the available evidence is currently insufficient to determine the role of this variant in disease. Therefore, it has been classified as a Variant of Uncertain Significance.

NM_000330.4(RS1):c.120C>G (p.Cys40Trp)

Gene: RS1 (retinoschisin 1; minus strand). Cytogenetic location: Xp22.13.
Variant type: single nucleotide variant.
Coding change: c.120C>G on transcript NM_000330.4 (MANE Select); coding-DNA position 120, C replaced by G.
Protein change: p.Cys40Trp; replaces cysteine 40 with tryptophan.
Molecular consequence: missense variant.
Genome position (GRCh38, 1-based): chrX:18,656,717, G>C on the plus strand (C>G on the coding strand, the complement: RS1 is on the minus strand). VCF-style: chrX-18656717-G-C. GRCh37 (hg19) VCF-style: chrX-18674837-G-C.
Other names: short protein forms C40W.
Identifiers: ClinVar variation 1518069 (VCV001518069.6), dbSNP rs62645885, ClinGen allele CA412376366.